The following is an entry in ClinVar:

ClinVar aggregate classification (germline): Likely pathogenic (1 of 4 stars; one submission).

Conditions:
Allan-Herndon-Dudley syndrome (AHDS). Also called: Passos-Bueno syndrome; ALLAN-HERNDON SYNDROME; MENTAL RETARDATION AND MUSCULAR ATROPHY; T3 RESISTANCE; TRIIODOTHYRONINE RESISTANCE. Identifiers: Orphanet 59, MedGen C0795889, MONDO:0010354, OMIM 300523.

Submission:

Victorian Clinical Genetics Services, Murdoch Childrens Research Institute
Classification: Likely pathogenic for Allan-Herndon-Dudley syndrome. Last evaluated: 2025-07-30. Review status: criteria provided, single submitter. Criteria: ACMG Guidelines, 2015. Collection method: clinical testing. Allele origin: germline. Affected: yes.
Comment: This variant is classified as Likely pathogenic. Evidence in support of pathogenic classification: Variant is absent from gnomAD (v2, v3 and v4); Another missense variant comparable to the one identified in this case has limited previous evidence for pathogenicity. Missense variant predicted to be damaging by in silico tool(s) or highly conserved with a major amino acid change. Additional information: Variant is predicted to result in a missense amino acid change from Gly to Trp; This variant is heterozygous; This gene is associated with X-linked disease. Hemizygous males and homozygous females are known to be affected with the full range of symptoms associated with Allan-Herndon-Dudley syndrome, while some heterozygous females develop a mild thyroid phenotype but no neurological symptoms (OMIM); This variant has no previous evidence of pathogenicity; No published evidence of segregation with disease has been identified for this variant; No published functional evidence has been identified for this variant; Variant is located in the annotated Major Facilitator Superfamily domain (DECIPHER); Loss of function is a known mechanism of disease in this gene and is associated with Allan-Herndon-Dudley syndrome (MIM#300523).

Literature cited by the submitters: PubMed 28742507.

NM_006517.5(SLC16A2):c.1384G>T (p.Gly462Trp)

Gene: SLC16A2 (solute carrier family 16 member 2; plus strand). Cytogenetic location: Xq13.2.
Variant type: single nucleotide variant.
Coding change: c.1384G>T on transcript NM_006517.5 (MANE Select); coding-DNA position 1384, G replaced by T.
Protein change: p.Gly462Trp; replaces glycine 462 with tryptophan.
Molecular consequence: missense variant.
Genome position (GRCh38, 1-based): chrX:74,529,426, G>T. VCF-style: chrX-74529426-G-T. GRCh37 (hg19) VCF-style: chrX-73749261-G-T.
Other names: short protein forms G462W.
Identifiers: ClinVar variation 4531351 (VCV004531351.1).